The following is an entry in ClinVar:

NM_020822.3(KCNT1):c.1200+177_1200+196del

Gene: KCNT1 (potassium sodium-activated channel subfamily T member 1; plus strand). Cytogenetic location: 9q34.3.
Variant type: Microsatellite.
Coding change: c.1200+177_1200+196del on transcript NM_020822.3 (MANE Select); bases 177 to 196 of the intron after coding-DNA position 1200, 20 bases deleted (CATCCTCTCCCCAGGACTGC).
Molecular consequence: intron variant.
Genome position (GRCh38, 1-based): chr9:135,765,372-135,765,391, CATCCTCTCCCCAGGACTGC deleted; deleting any 20 consecutive bases within chr9:135,765,350-135,765,391 gives the same sequence; the c. name uses the placement nearest the transcript's 3' end. VCF-style (leftmost placement, unchanged base first): chr9-135765349-CGCCATCCTCTCCCCAGGACT-C. GRCh37 (hg19) VCF-style: chr9-138657195-CGCCATCCTCTCCCCAGGACT-C.
Other names: c.1065+177_1065+196del (NM_001272003.2).
Identifiers: ClinVar variation 682106 (VCV000682106.1), dbSNP rs60237528, ClinGen allele CA201465459.

ClinVar aggregate classification (germline): Benign (1 of 4 stars; one submission).

Submission:

GeneDx
Classification: Benign. Last evaluated: 2018-06-14. Review status: criteria provided, single submitter. Criteria: GeneDx Variant Classification (06012015). Collection method: clinical testing. Allele origin: germline. Affected: yes.
Comment: This variant is considered likely benign or benign based on one or more of the following criteria: it is a conservative change, it occurs at a poorly conserved position in the protein, it is predicted to be benign by multiple in silico algorithms, and/or has population frequency not consistent with disease.